The following is an entry in ClinVar:

NM_006265.3(RAD21):c.792G>A (p.Met264Ile)

Gene: RAD21 (RAD21 cohesin complex component; minus strand). Cytogenetic location: 8q24.11.
Variant type: single nucleotide variant.
Coding change: c.792G>A on transcript NM_006265.3 (MANE Select); coding-DNA position 792, G replaced by A.
Protein change: p.Met264Ile; replaces methionine 264 with isoleucine.
Molecular consequence: missense variant.
Genome position (GRCh38, 1-based): chr8:116,856,668, C>T on the plus strand (G>A on the coding strand, the complement: RAD21 is on the minus strand). VCF-style: chr8-116856668-C-T. GRCh37 (hg19) VCF-style: chr8-117868907-C-T.
Other names: short protein forms M264I.
Identifiers: ClinVar variation 4709672 (VCV004709672.1).
Genomic context (GRCh38, chr8:116,856,668, plus strand): 5'-ACAATCATCCCCAGAATCACTGAACATGAAATGCTTACTTGATACATTATCATCCTCATC[C>T]ATATCGTCATGTGCAGGCTGCTCTGGCAACATCACCCCTGCCTCAGAGAGGGCAGGGGGA-3'
Protein context (NP_006256.1, residues 254-274): MLPEQPAHDD[Met264Ile]DEDDNVSMGG

ClinVar aggregate classification (germline): Uncertain significance (1 of 4 stars; one submission).

Conditions:
Cornelia de Lange syndrome 4 (CDLS4). Also called: RAD21-Related Cornelia de Lange Syndrome; CORNELIA DE LANGE SYNDROME 4 WITH OR WITHOUT MIDLINE BRAIN DEFECTS. Identifiers: Orphanet 199, MedGen C3553517, MONDO:0013864, OMIM 614701.

Submission:

Labcorp Genetics (formerly Invitae), Labcorp
Classification: Uncertain significance for Cornelia de Lange syndrome 4. Last evaluated: 2025-12-15. Review status: criteria provided, single submitter. Criteria: Invitae Variant Classification Sherloc (09022015). Collection method: clinical testing. Allele origin: germline.
Comment: This sequence change replaces methionine, which is neutral and non-polar, with isoleucine, which is neutral and non-polar, at codon 264 of the RAD21 protein (p.Met264Ile). This variant is not present in population databases (gnomAD no frequency). This variant has not been reported in the literature in individuals affected with RAD21-related conditions. Invitae Evidence Modeling of protein sequence and biophysical properties (such as structural, functional, and spatial information, amino acid conservation, physicochemical variation, residue mobility, and thermodynamic stability) indicates that this missense variant is not expected to disrupt RAD21 protein function with a negative predictive value of 95%. In summary, the available evidence is currently insufficient to determine the role of this variant in disease. Therefore, it has been classified as a Variant of Uncertain Significance.